The following is an entry in ClinVar:

ClinVar aggregate classification (germline): Uncertain significance (1 of 4 stars; one submission).

Submission:

GeneDx
Classification: Uncertain significance. Last evaluated: 2023-04-13. Review status: criteria provided, single submitter. Criteria: GeneDx Variant Classification Process June 2021. Collection method: clinical testing. Allele origin: germline. Affected: yes.
Comment: Not observed at significant frequency in large population cohorts (gnomAD); Canonical splice site variant in a gene for which loss-of-function is not a known mechanism of disease; Has not been previously published as pathogenic or benign to our knowledge

NM_005573.4(LMNB1):c.1491+1G>A

Gene: LMNB1 (lamin B1; plus strand). Cytogenetic location: 5q23.2.
Variant type: single nucleotide variant.
Coding change: c.1491+1G>A on transcript NM_005573.4 (MANE Select); the canonical splice donor site of the intron after coding-DNA position 1491, G replaced by A.
Molecular consequence: splice donor variant.
Genome position (GRCh38, 1-based): chr5:126,822,886, G>A. VCF-style: chr5-126822886-G-A. GRCh37 (hg19) VCF-style: chr5-126158578-G-A.
Other names: c.861+1G>A (NM_001198557.2).
Identifiers: ClinVar variation 3343077 (VCV003343077.1).
Genomic context (GRCh38, chr5:126,822,886, plus strand): 5'-ACATCAGTCAGTTATAAATATACCTCAAGATATGTGCTGAAGGCAGGCCAGACTGTTACA[G>A]TAAGTGAATCTAGTCATCATTTAATTTAACTTCATTGTGTTAACTAACAAAGTAACTCAA-3'